The following is an entry in ClinVar:

ClinVar aggregate classification (germline): Uncertain significance (1 of 4 stars; one submission).

Conditions:
Autosomal dominant nonsyndromic hearing loss 2A. Also called: DFNA2 Nonsyndromic Hearing Loss; Deafness, autosomal dominant 2A; Autosomal dominant nonsyndromic deafness 2A. Identifiers: Orphanet 90635, MedGen C2677637, MONDO:0010817, OMIM 600101.

Submission:

Dasa
Classification: Uncertain significance for Autosomal dominant nonsyndromic hearing loss 2A. Last evaluated: 2025-10-28. Review status: criteria provided, single submitter. Criteria: DASA Assertion Criteria. Collection method: clinical testing. Allele origin: germline.
Comment: NM_004700.4(KCNQ4):c.1943C>T (p.Thr648Ile) is a missense variant that results in the substitution of threonine with isoleucine. This variant is absent from population databases. The currently available literature and clinical evidence are not sufficient to establish a definitive association between this variant and the reported condition. Therefore, this variant is classified as a variant of uncertain significance.

NM_004700.4(KCNQ4):c.1943C>T (p.Thr648Ile)

Gene: KCNQ4 (potassium voltage-gated channel subfamily Q member 4; plus strand). Cytogenetic location: 1p34.2.
Variant type: single nucleotide variant.
Coding change: c.1943C>T on transcript NM_004700.4 (MANE Select); coding-DNA position 1943, C replaced by T.
Protein change: p.Thr648Ile; replaces threonine 648 with isoleucine.
Molecular consequence: missense variant.
Genome position (GRCh38, 1-based): chr1:40,838,378, C>T. VCF-style: chr1-40838378-C-T. GRCh37 (hg19) VCF-style: chr1-41304050-C-T.
Other names: c.1781C>T, p.Thr594Ile (NM_172163.3); short protein forms T594I, T648I.
Identifiers: ClinVar variation 4881782 (VCV004881782.2).